The following is an entry in ClinVar:

ClinVar aggregate classification (germline): Uncertain significance (1 of 4 stars; one submission).

Conditions:
F7-related disorder. Also called: F7-related condition.

gnomAD v4.1: 1 of 1,555,946 alleles (0.000064%); highest among the groups gnomAD compares: Middle Eastern, 0.02%; no homozygotes.

Submission:

PreventionGenetics, part of Exact Sciences
Classification: Uncertain significance for F7-related condition. Last evaluated: 2024-11-14. Review status: criteria provided, single submitter. Criteria: ACMG Guidelines, 2015. Collection method: clinical testing. Allele origin: germline.
Comment: The F7 c.239A>G variant is predicted to result in the amino acid substitution p.Glu80Gly. This variant has been reported in individuals with Factor VII deficiency (Giansily-Blaizot et al. 2007. PubMed ID: 17614823; Table S3.4, Stefanucci et al. 2023. PubMed ID: 37647632). This variant has not been reported in a large population database (gnomAD), indicating this variant is rare. At this time, the clinical significance of this variant is uncertain due to the absence of conclusive functional and genetic evidence.

NM_019616.4(F7):c.173A>G (p.Glu58Gly)

Gene: F7 (coagulation factor VII; plus strand). Cytogenetic location: 13q34.
Variant type: single nucleotide variant.
Coding change: c.173A>G on transcript NM_019616.4 (MANE Select); coding-DNA position 173, A replaced by G.
Protein change: p.Glu58Gly; replaces glutamic acid 58 with glycine.
Molecular consequence: missense variant. On other transcripts: non-coding transcript variant (1), intron variant (1).
Genome position (GRCh38, 1-based): chr13:113,110,798, A>G. VCF-style: chr13-113110798-A-G. GRCh37 (hg19) VCF-style: chr13-113765112-A-G.
Other names: c.239A>G, p.Glu80Gly (NM_000131.5); c.65-3049A>G (NM_001267554.2); short protein forms E58G, E80G.
Identifiers: ClinVar variation 5000584 (VCV005000584.1).